The following is an entry in ClinVar:

NM_001042492.3(NF1):c.8182G>A (p.Ala2728Thr)

Gene: NF1 (neurofibromin 1; plus strand). Cytogenetic location: 17q11.2.
Variant type: single nucleotide variant.
Coding change: c.8182G>A on transcript NM_001042492.3 (MANE Select); coding-DNA position 8182, G replaced by A.
Protein change: p.Ala2728Thr; replaces alanine 2728 with threonine.
Molecular consequence: missense variant.
Genome position (GRCh38, 1-based): chr17:31,360,508, G>A. VCF-style: chr17-31360508-G-A. GRCh37 (hg19) VCF-style: chr17-29687526-G-A.
Other names: c.8119G>A, p.Ala2707Thr (NM_000267.4); short protein forms A2707T, A2728T.
Identifiers: ClinVar variation 1001184 (VCV001001184.7), dbSNP rs750603086, ClinGen allele CA8487775.
Genomic context (GRCh38, chr17:31,360,508, plus strand): 5'-AAAAAAGGAACTAAAATAATTTCCTATTTTCCATTACAGCAAACACAAATTCCAGACTAT[G>A]CTGAGCTTATTGTTAAGTTTCTTGATGCCTTGATTGACACGTACCTGCCTGGAATTGATG-3'
Protein context (NP_001035957.1, residues 2718-2738): FSKQTQIPDY[Ala2728Thr]ELIVKFLDAL

ClinVar aggregate classification (germline): Uncertain significance. Review status: criteria provided, multiple submitters, no conflicts (2 of 4 stars). 3 submissions from 3 submitters: Uncertain significance (3). Last evaluated 2024-11-10.

Conditions:
Neurofibromatosis, type 1 (NF1). Also called: NEUROFIBROMATOSIS, TYPE I, SOMATIC; Peripheral type neurofibromatosis; VON RECKLINGHAUSEN DISEASE; Neurofibromatosis, type I. Identifiers: Orphanet 636, MedGen C0027831, MONDO:0018975, OMIM 162200. Disease mechanism: loss of function.
Neurofibromatosis, familial spinal (FSNF). Identifiers: Orphanet 636, MedGen C1834235, MONDO:0008078, OMIM 162210. Disease mechanism: loss of function.
Juvenile myelomonocytic leukemia (JMML). Also called: LEUKEMIA, JUVENILE MYELOMONOCYTIC, SOMATIC. Identifiers: Orphanet 86834, MedGen C0349639, MONDO:0011908, OMIM 607785, HP:0012209.
Neurofibromatosis-Noonan syndrome (NFNS). Also called: NEUROFIBROMATOSIS WITH NOONAN PHENOTYPE. Identifiers: Orphanet 638, MedGen C2931482, MONDO:0011035, OMIM 601321. Disease mechanism: loss of function.
Café-au-lait macules with pulmonary stenosis (WTSN). Also called: PULMONIC STENOSIS WITH CAFE-AU-LAIT SPOTS. Identifiers: MedGen C0553586, MONDO:0008672, OMIM 193520.
Hereditary cancer-predisposing syndrome. Also called: Hereditary neoplastic syndrome; Neoplastic Syndromes, Hereditary; Tumor predisposition; Hereditary Cancer Syndrome. Identifiers: Orphanet 140162, MedGen C0027672, MeSH D009386, MONDO:0015356.
Cardiovascular phenotype. Identifiers: MedGen CN230736.

Allele frequency attached by ClinVar (database versions not stated): gnomAD exomes below 0.00001 and 0.00001; ExAC 0.00001.
gnomAD v4.1: 7 of 1,613,986 alleles (0.00043%); highest among the groups gnomAD compares: South Asian, 0.0077%; no homozygotes.

Submissions (3):

Labcorp Genetics (formerly Invitae), Labcorp
Classification: Uncertain significance for Neurofibromatosis, type 1. Last evaluated: 2024-11-10. Review status: criteria provided, single submitter. Criteria: Invitae Variant Classification Sherloc (09022015). Collection method: clinical testing. Allele origin: germline.
Comment: This sequence change replaces alanine, which is neutral and non-polar, with threonine, which is neutral and polar, at codon 2707 of the NF1 protein (p.Ala2707Thr). This variant is present in population databases (rs750603086, gnomAD 0.006%). This variant has not been reported in the literature in individuals affected with NF1-related conditions. ClinVar contains an entry for this variant (Variation ID: 1001184). Invitae Evidence Modeling of protein sequence and biophysical properties (such as structural, functional, and spatial information, amino acid conservation, physicochemical variation, residue mobility, and thermodynamic stability) has been performed for this missense variant. However, the output from this modeling did not meet the statistical confidence thresholds required to predict the impact of this variant on NF1 protein function. In summary, the available evidence is currently insufficient to determine the role of this variant in disease. Therefore, it has been classified as a Variant of Uncertain Significance.

Fulgent Genetics
Classification: Uncertain significance for Neurofibromatosis, type 1; Neurofibromatosis, familial spinal; Café-au-lait macules with pulmonary stenosis; Neurofibromatosis-Noonan syndrome; Juvenile myelomonocytic leukemia. Last evaluated: 2024-01-08. Review status: criteria provided, single submitter. Criteria: ACMG Guidelines, 2015. Collection method: clinical testing. Allele origin: germline.

Ambry Genetics
Classification: Uncertain significance for Cardiovascular phenotype; Hereditary cancer-predisposing syndrome. Last evaluated: 2023-09-11. Review status: criteria provided, single submitter. Criteria: Ambry Variant Classification Scheme 2023. Collection method: clinical testing. Allele origin: germline.
Comment: The p.A2707T variant (also known as c.8119G>A), located in coding exon 56 of the NF1 gene, results from a G to A substitution at nucleotide position 8119. The alanine at codon 2707 is replaced by threonine, an amino acid with similar properties. This amino acid position is conserved. In addition, this alteration is predicted to be tolerated by in silico analysis. Since supporting evidence is limited at this time, the clinical significance of this alteration remains unclear.